The following is an entry in ClinVar:

ClinVar aggregate classification (germline): Uncertain significance (1 of 4 stars; one submission).

Conditions:
Hereditary cancer-predisposing syndrome. Also called: Neoplastic Syndromes, Hereditary; Tumor predisposition; Hereditary Cancer Syndrome; Hereditary neoplastic syndrome. Identifiers: Orphanet 140162, MedGen C0027672, MeSH D009386, MONDO:0015356.

Submission:

Ambry Genetics
Classification: Uncertain significance for Hereditary cancer-predisposing syndrome. Last evaluated: 2026-02-23. Review status: criteria provided, single submitter. Criteria: Ambry Variant Classification Scheme 2023. Collection method: clinical testing. Allele origin: germline.
Comment: The p.I17M variant (also known as c.51A>G), located in coding exon 1 of the RAD50 gene, results from an A to G substitution at nucleotide position 51. The isoleucine at codon 17 is replaced by methionine, an amino acid with highly similar properties. This amino acid position is conserved. In addition, this alteration is predicted to be tolerated by in silico analysis. Based on the available evidence, the clinical significance of this variant remains unclear.

NM_005732.4(RAD50):c.51A>G (p.Ile17Met)

Gene: RAD50 (RAD50 double strand break repair protein; plus strand). Cytogenetic location: 5q31.1.
Variant type: single nucleotide variant.
Coding change: c.51A>G on transcript NM_005732.4 (MANE Select); coding-DNA position 51, A replaced by G.
Protein change: p.Ile17Met; replaces isoleucine 17 with methionine.
Molecular consequence: missense variant.
Genome position (GRCh38, 1-based): chr5:132,557,375, A>G. VCF-style: chr5-132557375-A-G. GRCh37 (hg19) VCF-style: chr5-131893067-A-G.
Other names: short protein forms I17M.
Identifiers: ClinVar variation 4826855 (VCV004826855.1).